The following is an entry in ClinVar:

NM_001130004.2(ACTN1):c.1048C>T (p.Arg350Trp)

Gene: ACTN1 (actinin alpha 1; minus strand). Cytogenetic location: 14q24.1.
Variant type: single nucleotide variant.
Coding change: c.1048C>T on transcript NM_001130004.2 (MANE Select); coding-DNA position 1048, C replaced by T.
Protein change: p.Arg350Trp; replaces arginine 350 with tryptophan.
Molecular consequence: missense variant.
Genome position (GRCh38, 1-based): chr14:68,892,091, G>A on the plus strand (C>T on the coding strand, the complement: ACTN1 is on the minus strand). VCF-style: chr14-68892091-G-A. GRCh37 (hg19) VCF-style: chr14-69358808-G-A.
Other names: c.1048C>T, p.Arg350Trp (NM_001102.4, NM_001130005.2, NM_001411035.1 and 9 more transcripts); c.853C>T, p.Arg285Trp (NM_001411036.1, NM_001424026.1, NM_001424028.1); c.1174C>T, p.Arg392Trp (NM_001424013.1); c.1135C>T, p.Arg379Trp (NM_001424015.1); c.1045C>T, p.Arg349Trp (NM_001424017.1); c.985C>T, p.Arg329Trp (NM_001424018.1, NM_001424020.1, NM_001424022.1); c.979C>T, p.Arg327Trp (NM_001424021.1); c.223C>T, p.Arg75Trp (NM_001424030.1); short protein forms R327W, R329W, R350W, R392W, R285W, R349W, R379W, R75W.
Identifiers: ClinVar variation 2731836 (VCV002731836.3), dbSNP rs754253059, ClinGen allele CA7242486.

ClinVar aggregate classification (germline): Uncertain significance (1 of 4 stars; one submission).

Allele frequency attached by ClinVar (database versions not stated): ExAC 0.00001; gnomAD 0.00001; gnomAD exomes 0.00001.
gnomAD v4.1: 13 of 1,613,670 alleles (0.00081%); highest among the groups gnomAD compares: Non-Finnish European, 0.0011%; no homozygotes.

Submission:

Labcorp Genetics (formerly Invitae), Labcorp
Classification: Uncertain significance. Last evaluated: 2023-08-08. Review status: criteria provided, single submitter. Criteria: Invitae Variant Classification Sherloc (09022015). Collection method: clinical testing. Allele origin: germline.
Comment: In summary, the available evidence is currently insufficient to determine the role of this variant in disease. Therefore, it has been classified as a Variant of Uncertain Significance. This sequence change replaces arginine, which is basic and polar, with tryptophan, which is neutral and slightly polar, at codon 350 of the ACTN1 protein (p.Arg350Trp). This variant is present in population databases (rs754253059, gnomAD 0.004%). This variant has not been reported in the literature in individuals affected with ACTN1-related conditions. Advanced modeling of protein sequence and biophysical properties (such as structural, functional, and spatial information, amino acid conservation, physicochemical variation, residue mobility, and thermodynamic stability) performed at Invitae indicates that this missense variant is expected to disrupt ACTN1 protein function.